The following is an entry in ClinVar:

ClinVar aggregate classification (germline): Conflicting classifications of pathogenicity. Review status: criteria provided, conflicting classifications (1 of 4 stars). 2 submissions from 2 submitters: Likely pathogenic (1); Uncertain significance (1). Last evaluated 2023-10-16.

Conditions:
Autosomal dominant centronuclear myopathy. Also called: MYOTUBULAR MYOPATHY, AUTOSOMAL DOMINANT; Myopathy, centronuclear, 3. Identifiers: Orphanet 169189, MedGen C4551952, MeSH D020914, MONDO:0008048, OMIM 160150.

Allele frequency attached by ClinVar (database versions not stated): gnomAD exomes below 0.00001 and 0.00004.
gnomAD v4.1: 62 of 1,614,084 alleles (0.0038%); highest among the groups gnomAD compares: Non-Finnish European, 0.0051%; no homozygotes.

Submissions (2):

Labcorp Genetics (formerly Invitae), Labcorp
Classification: Uncertain significance. Last evaluated: 2023-10-16. Review status: criteria provided, single submitter. Criteria: Invitae Variant Classification Sherloc (09022015). Collection method: clinical testing. Allele origin: germline.
Comment: This sequence change creates a premature translational stop signal (p.Arg67*) in the MTMR14 gene. It is expected to result in an absent or disrupted protein product. However, the current clinical and genetic evidence is not sufficient to establish whether loss-of-function variants in MTMR14 cause disease. This variant is present in population databases (rs754777692, gnomAD 0.0009%). This variant has not been reported in the literature in individuals affected with MTMR14-related conditions. ClinVar contains an entry for this variant (Variation ID: 1028507). In summary, the available evidence is currently insufficient to determine the role of this variant in disease. Therefore, it has been classified as a Variant of Uncertain Significance.

Baylor Genetics
Classification: Likely pathogenic for Autosomal dominant centronuclear myopathy. Last evaluated: 2019-08-27. Review status: criteria provided, single submitter. Criteria: ACMG Guidelines, 2015. Collection method: clinical testing. Allele origin: unknown. Affected: yes.
Comment: This variant was determined to be likely pathogenic according to ACMG Guidelines, 2015 [PMID:25741868].

NM_001077525.3(MTMR14):c.199C>T (p.Arg67Ter)

Gene: MTMR14 (myotubularin related protein 14; plus strand). Cytogenetic location: 3p25.3.
Variant type: single nucleotide variant.
Coding change: c.199C>T on transcript NM_001077525.3 (MANE Select); coding-DNA position 199, C replaced by T.
Protein change: p.Arg67Ter; replaces arginine 67 with a stop codon.
Molecular consequence: nonsense.
Genome position (GRCh38, 1-based): chr3:9,653,660, C>T. VCF-style: chr3-9653660-C-T. GRCh37 (hg19) VCF-style: chr3-9695344-C-T.
Other names: c.199C>T, p.Arg67Ter (NM_001077526.3, NM_022485.5); short protein forms R67*.
Identifiers: ClinVar variation 1028507 (VCV001028507.4), dbSNP rs754777692, ClinGen allele CA70440640.